The following is an entry in ClinVar:

ClinVar aggregate classification (germline): Pathogenic. Review status: criteria provided, multiple submitters, no conflicts (2 of 4 stars). 2 submissions from 2 submitters: Pathogenic (2). Last evaluated 2024-06-17.

Conditions:
Benign recurrent intrahepatic cholestasis type 2 (BRIC2). Also called: Recurrent familial intrahepatic cholestasis 2. Identifiers: Orphanet 65682, Orphanet 99961, MedGen C2608083, MONDO:0011559, OMIM 605479.
Progressive familial intrahepatic cholestasis type 2. Identifiers: Orphanet 79304, MedGen C3489789, MONDO:0011156, OMIM 601847.

Submissions (2):

Fulgent Genetics
Classification: Pathogenic for Progressive familial intrahepatic cholestasis type 2; Benign recurrent intrahepatic cholestasis type 2. Last evaluated: 2024-06-17. Review status: criteria provided, single submitter. Criteria: ACMG Guidelines, 2015. Collection method: clinical testing. Allele origin: germline.

Labcorp Genetics (formerly Invitae), Labcorp
Classification: Pathogenic. Last evaluated: 2023-09-08. Review status: criteria provided, single submitter. Criteria: Invitae Variant Classification Sherloc (09022015). Collection method: clinical testing. Allele origin: germline.
Comment: For these reasons, this variant has been classified as Pathogenic. This premature translational stop signal has been observed in individual(s) with progressive familial intrahepatic cholestasis (PMID: 26678486). This variant is not present in population databases (gnomAD no frequency). This sequence change creates a premature translational stop signal (p.Tyr304*) in the ABCB11 gene. It is expected to result in an absent or disrupted protein product. Loss-of-function variants in ABCB11 are known to be pathogenic (PMID: 18395098, 20232290).

Literature cited by the submitters: PubMed 26678486 (cited by Labcorp Genetics (formerly Invitae), Labcorp); PubMed 18395098 (cited by Labcorp Genetics (formerly Invitae), Labcorp); PubMed 20232290 (cited by Labcorp Genetics (formerly Invitae), Labcorp).

NM_003742.4(ABCB11):c.912T>A (p.Tyr304Ter)

Gene: ABCB11 (ATP binding cassette subfamily B member 11; minus strand). Cytogenetic location: 2q31.1.
Variant type: single nucleotide variant.
Coding change: c.912T>A on transcript NM_003742.4 (MANE Select); coding-DNA position 912, T replaced by A.
Protein change: p.Tyr304Ter; replaces tyrosine 304 with a stop codon.
Molecular consequence: nonsense.
Genome position (GRCh38, 1-based): chr2:168,986,281, A>T on the plus strand (T>A on the coding strand, the complement: ABCB11 is on the minus strand). VCF-style: chr2-168986281-A-T. GRCh37 (hg19) VCF-style: chr2-169842791-A-T.
Other names: short protein forms Y304*.
Identifiers: ClinVar variation 2824016 (VCV002824016.4), dbSNP rs2545432325, ClinGen allele CA349124739.